The following is an entry in ClinVar:

NM_006371.5(CRTAP):c.239G>A (p.Ser80Asn)

Gene: CRTAP (cartilage associated protein; plus strand). Cytogenetic location: 3p22.3.
Variant type: single nucleotide variant.
Coding change: c.239G>A on transcript NM_006371.5 (MANE Select); coding-DNA position 239, G replaced by A.
Protein change: p.Ser80Asn; replaces serine 80 with asparagine.
Molecular consequence: missense variant.
Genome position (GRCh38, 1-based): chr3:33,114,316, G>A. VCF-style: chr3-33114316-G-A. GRCh37 (hg19) VCF-style: chr3-33155808-G-A.
Other names: c.239G>A, p.Ser80Asn (NM_001393363.1, NM_001393364.1, NM_001393365.1); short protein forms S80N.
Identifiers: ClinVar variation 572411 (VCV000572411.8), dbSNP rs754916341, ClinGen allele CA2300234.

ClinVar aggregate classification (germline): Uncertain significance. Review status: criteria provided, multiple submitters, no conflicts (2 of 4 stars). 4 submissions from 4 submitters: Uncertain significance (4). Last evaluated 2024-12-20.

Conditions:
Inborn genetic diseases. Identifiers: MedGen C0950123, MeSH D030342.
Osteogenesis imperfecta type 7 (OI7). Also called: OSTEOGENESIS IMPERFECTA, TYPE IIB; Osteogenesis imperfecta type 2B; OI type 2B; Osteogenesis imperfecta, perinatal lethal autosomal recessive; OI type IIB; OI type 7. Identifiers: MedGen C1853162, MONDO:0012536, OMIM 610682.

Allele frequency attached by ClinVar (database versions not stated): ExAC below 0.00001; gnomAD 0.00001; gnomAD exomes 0.00001; TOPMed 0.00002.
gnomAD v4.1: 22 of 1,548,262 alleles (0.0014%); highest among the groups gnomAD compares: Non-Finnish European, 0.0019%; no homozygotes.

Submissions (4):

GeneDx
Classification: Uncertain significance. Last evaluated: 2024-12-20. Review status: criteria provided, single submitter. Criteria: GeneDx Variant Classification Process June 2021. Collection method: clinical testing. Allele origin: germline. Affected: yes.
Comment: Not observed at significant frequency in large population cohorts (gnomAD); In silico analysis indicates that this missense variant does not alter protein structure/function; Has not been previously published as pathogenic or benign to our knowledge

Women's Health and Genetics/Laboratory Corporation of America, LabCorp
Classification: Uncertain significance. Last evaluated: 2024-04-03. Review status: criteria provided, single submitter. Criteria: LabCorp Variant Classification Summary - May 2015. Collection method: clinical testing. Allele origin: germline.
Comment: Variant summary: CRTAP c.239G>A (p.Ser80Asn) results in a conservative amino acid change in the encoded protein sequence. Four of five in-silico tools predict a damaging effect of the variant on protein function. The variant allele was found at a frequency of 1.4e-05 in 144216 control chromosomes. The available data on variant occurrences in the general population are insufficient to allow any conclusion about variant significance. To our knowledge, no occurrence of c.239G>A in individuals affected with Osteogenesis Imperfecta and no experimental evidence demonstrating its impact on protein function have been reported. ClinVar contains an entry for this variant (Variation ID: 572411). Based on the evidence outlined above, the variant was classified as uncertain significance.

Ambry Genetics
Classification: Uncertain significance for Inborn genetic diseases. Last evaluated: 2023-05-24. Review status: criteria provided, single submitter. Criteria: Ambry Variant Classification Scheme 2023. Collection method: clinical testing. Allele origin: germline.

Labcorp Genetics (formerly Invitae), Labcorp
Classification: Uncertain significance for Osteogenesis imperfecta type 7. Last evaluated: 2022-06-04. Review status: criteria provided, single submitter. Criteria: Invitae Variant Classification Sherloc (09022015). Collection method: clinical testing. Allele origin: germline.
Comment: This sequence change replaces serine, which is neutral and polar, with asparagine, which is neutral and polar, at codon 80 of the CRTAP protein (p.Ser80Asn). This variant is present in population databases (rs754916341, gnomAD 0.003%). This variant has not been reported in the literature in individuals affected with CRTAP-related conditions. ClinVar contains an entry for this variant (Variation ID: 572411). Algorithms developed to predict the effect of missense changes on protein structure and function are either unavailable or do not agree on the potential impact of this missense change (SIFT: "Tolerated"; PolyPhen-2: "Possibly Damaging"; Align-GVGD: "Class C0"). In summary, the available evidence is currently insufficient to determine the role of this variant in disease. Therefore, it has been classified as a Variant of Uncertain Significance.